The following is an entry in ClinVar:

NM_006904.7(PRKDC):c.3489G>T (p.Leu1163Phe)

Gene: PRKDC (protein kinase, DNA-activated, catalytic subunit; minus strand). Cytogenetic location: 8q11.21.
Variant type: single nucleotide variant.
Coding change: c.3489G>T on transcript NM_006904.7 (MANE Select); coding-DNA position 3489, G replaced by T.
Protein change: p.Leu1163Phe; replaces leucine 1163 with phenylalanine.
Molecular consequence: missense variant.
Genome position (GRCh38, 1-based): chr8:47,897,270, C>A on the plus strand (G>T on the coding strand, the complement: PRKDC is on the minus strand). VCF-style: chr8-47897270-C-A. GRCh37 (hg19) VCF-style: chr8-48809830-C-A.
Other names: c.3489G>T, p.Leu1163Phe (NM_001081640.2); short protein forms L1163F.
Identifiers: ClinVar variation 2449907 (VCV002449907.2), dbSNP rs766145061, ClinGen allele CA4741159.

ClinVar aggregate classification (germline): Uncertain significance (1 of 4 stars; one submission).

Allele frequency attached by ClinVar (database versions not stated): TOPMed below 0.00001.
gnomAD v4.1: 1 of 1,599,242 alleles (0.000063%); highest among the groups gnomAD compares: Admixed American, 0.0017%; no homozygotes.

Submission:

Ambry Genetics
Classification: Uncertain significance. Last evaluated: 2023-03-05. Review status: criteria provided, single submitter. Criteria: Ambry Variant Classification Scheme 2023. Collection method: clinical testing. Allele origin: germline.
Comment: The p.L1163F variant (also known as c.3489G>T), located in coding exon 30 of the PRKDC gene, results from a G to T substitution at nucleotide position 3489. The leucine at codon 1163 is replaced by phenylalanine, an amino acid with highly similar properties. This amino acid position is conserved. In addition, this alteration is predicted to be tolerated by in silico analysis. Since supporting evidence is limited at this time, the clinical significance of this alteration remains unclear.